The following is an entry in ClinVar:

NM_007294.4(BRCA1):c.-19-109A>G

Gene: BRCA1 (BRCA1 DNA repair associated; minus strand). Cytogenetic location: 17q21.31.
Variant type: single nucleotide variant.
Coding change: c.-19-109A>G on transcript NM_007294.4 (MANE Select); 109 bases into the intron before 19 bases upstream of the start codon, A replaced by G.
Molecular consequence: intron variant. On other transcripts: 5 prime UTR variant (10).
Genome position (GRCh38, 1-based): chr17:43,124,224, T>C on the plus strand (A>G on the coding strand, the complement: BRCA1 is on the minus strand). VCF-style: chr17-43124224-T-C. GRCh37 (hg19) VCF-style: chr17-41276241-T-C.
Other names: c.-19-109A>G (NM_001407594.1, NM_001407583.1, NM_001408407.1 and 159 more transcripts); c.-276-109A>G (NM_001407724.1, NM_001407727.1, NM_001407930.1 and 11 more transcripts); c.-305-109A>G (NM_001407697.1, NM_001407920.1, NM_001407846.1); c.-279-109A>G (NM_001407838.1, NM_001408410.1, NM_001408462.1 and 22 more transcripts); c.-283-109A>G (NM_001407741.1, NM_001407934.1, NM_001408497.1); c.-62+1053A>G (NM_001407922.1, NM_001408469.1, NM_001408453.1 and 6 more transcripts); c.-178+1053A>G (NM_001407746.1); c.-93-122A>G (NM_001408461.1, NM_001407738.1); and 28 more.
Identifiers: ClinVar variation 4073519 (VCV004073519.1).

ClinVar aggregate classification (germline): Benign (1 of 4 stars; one submission).

Conditions:
Breast-ovarian cancer, familial, susceptibility to, 2 (BROVCA2). Also called: BRCA2 Hereditary Breast and Ovarian Cancer. Identifiers: Orphanet 145, MedGen C2675520, MONDO:0012933, OMIM 612555. Disease mechanism: loss of function.

gnomAD v4.1: 10 of 725,852 alleles (0.0014%); highest among the groups gnomAD compares: Middle Eastern, 0.076%; no homozygotes.

Submission:

Dipartimento Di Medicina Di Precisione, Università Degli Studi Della Campania Luigi Vanvitelli
Classification: Benign for Breast-ovarian cancer, familial, susceptibility to, 2. Last evaluated: 2025-07-18. Review status: criteria provided, single submitter. Criteria: ACMG Guidelines, 2015. Collection method: clinical testing. Allele origin: germline. Affected: yes. Observed: 1 heterozygote.
Comment: The BRCA1 c.-19-109A>G variant is located in the 5’ untranslated region upstream of the coding sequence, within a non-coding intronic or promoter region. In silico analyses do not predict a significant effect on splicing or transcription factor binding sites. No experimental evidence supports a functional impact. Based on current data, this variant is classified as likely benign.

Literature cited by the submitters: DOI 10.3390/ijms26135928.